The following is an entry in ClinVar:

NM_000038.6(APC):c.645+151G>T

Gene: APC (APC regulator of WNT signaling pathway; plus strand). Cytogenetic location: 5q22.2.
Variant type: single nucleotide variant.
Coding change: c.645+151G>T on transcript NM_000038.6 (MANE Select); 151 bases into the intron after coding-DNA position 645, G replaced by T.
Molecular consequence: intron variant.
Genome position (GRCh38, 1-based): chr5:112,781,054, G>T. VCF-style: chr5-112781054-G-T. GRCh37 (hg19) VCF-style: chr5-112116751-G-T.
Other names: c.645+151G>T (NM_001354895.2, NM_001127510.3, NM_001354896.2 and 2 more transcripts); c.675+151G>T (NM_001354897.2, NM_001354902.2, NM_001127511.3); c.570+151G>T (NM_001354898.2, NM_001354904.2); c.-391+151G>T (NM_001354906.2); c.468+151G>T (NM_001354900.2, NM_001354901.2, NM_001354905.2).
Identifiers: ClinVar variation 82938 (VCV000082938.2), dbSNP rs79484254, ClinGen allele CA011257.

ClinVar aggregate classification (germline): other (0 of 4 stars; one submission).

Conditions:
Familial colorectal cancer. Identifiers: MedGen CN280943, MONDO:0023113. Disease mechanism: loss of function.

Submission:

Systems Biology Platform Zhejiang California International NanoSystems Institute
Classification: other for Familial colorectal cancer. Review status: no assertion criteria provided. Collection method: not provided. Allele origin: unknown.
ClinVar note: Converted during submission from cancer to other.